The following is an entry in ClinVar:

NM_032656.4(DHX37):c.931G>A (p.Ala311Thr)

Gene: DHX37 (DEAH-box helicase 37; minus strand). Cytogenetic location: 12q24.31.
Variant type: single nucleotide variant.
Coding change: c.931G>A on transcript NM_032656.4 (MANE Select); coding-DNA position 931, G replaced by A.
Protein change: p.Ala311Thr; replaces alanine 311 with threonine.
Molecular consequence: missense variant.
Genome position (GRCh38, 1-based): chr12:124,975,468, C>T on the plus strand (G>A on the coding strand, the complement: DHX37 is on the minus strand). VCF-style: chr12-124975468-C-T. GRCh37 (hg19) VCF-style: chr12-125460014-C-T.
Other names: short protein forms A311T.
Identifiers: ClinVar variation 4741791 (VCV004741791.1).
Genomic context (GRCh38, chr12:124,975,468, plus strand): 5'-AGAGCCCTCACCGCTGGGACAGATTCATCTCCTTGGCCACTCGCTGGGACATGGCCACGG[C>T]GGCCACTCGGCGGGGCTCCGTGACACCGATGATGCTGTCTTCACTGGGGGAGGAAGAACA-3'
Protein context (NP_116045.2, residues 301-321): IGVTEPRRVA[Ala311Thr]VAMSQRVAKE

ClinVar aggregate classification (germline): Uncertain significance (1 of 4 stars; one submission).

gnomAD v4.1: 269 of 1,612,790 alleles (0.017%); highest among the groups gnomAD compares: South Asian, 0.079%; 1 homozygote.

Submission:

Labcorp Genetics (formerly Invitae), Labcorp
Classification: Uncertain significance. Last evaluated: 2025-04-29. Review status: criteria provided, single submitter. Criteria: Invitae Variant Classification Sherloc (09022015). Collection method: clinical testing. Allele origin: germline.
Comment: This sequence change replaces alanine, which is neutral and non-polar, with threonine, which is neutral and polar, at codon 311 of the DHX37 protein (p.Ala311Thr). This variant is present in population databases (rs201177773, gnomAD 0.08%). This variant has not been reported in the literature in individuals affected with DHX37-related conditions. Invitae Evidence Modeling of protein sequence and biophysical properties (such as structural, functional, and spatial information, amino acid conservation, physicochemical variation, residue mobility, and thermodynamic stability) indicates that this missense variant is not expected to disrupt DHX37 protein function with a negative predictive value of 80%. In summary, the available evidence is currently insufficient to determine the role of this variant in disease. Therefore, it has been classified as a Variant of Uncertain Significance.